The following is an entry in ClinVar:

NM_001122681.2(SH3BP2):c.1223C>T (p.Pro408Leu)

Gene: SH3BP2 (SH3 domain binding protein 2; plus strand). Cytogenetic location: 4p16.3.
Variant type: single nucleotide variant.
Coding change: c.1223C>T on transcript NM_001122681.2 (MANE Select); coding-DNA position 1223, C replaced by T.
Protein change: p.Pro408Leu; replaces proline 408 with leucine.
Molecular consequence: missense variant.
Genome position (GRCh38, 1-based): chr4:2,830,129, C>T. VCF-style: chr4-2830129-C-T. GRCh37 (hg19) VCF-style: chr4-2831856-C-T.
Other names: c.1307C>T, p.Pro436Leu (NM_001145855.2); c.1394C>T, p.Pro465Leu (NM_001145856.2); c.1223C>T, p.Pro408Leu (NM_003023.4); short protein forms P408L, P436L, P465L.
Identifiers: ClinVar variation 2145841 (VCV002145841.5), dbSNP rs766786069, ClinGen allele CA2819419.

ClinVar aggregate classification (germline): Uncertain significance. Review status: criteria provided, multiple submitters, no conflicts (2 of 4 stars). 2 submissions from 2 submitters: Uncertain significance (2). Last evaluated 2023-10-30.

Conditions:
Inborn genetic diseases. Identifiers: MedGen C0950123, MeSH D030342.
Fibrous dysplasia of jaw (CRBM). Also called: Cherubism. Identifiers: Orphanet 184, MedGen C0008029, MONDO:0007315, OMIM 118400.

Allele frequency attached by ClinVar (database versions not stated): gnomAD 0.00001; TOPMed 0.00003; ExAC 0.00004.
gnomAD v4.1: 21 of 1,601,294 alleles (0.0013%); highest among the groups gnomAD compares: Middle Eastern, 0.017%; no homozygotes.

Submissions (2):

Ambry Genetics
Classification: Uncertain significance for Inborn genetic diseases. Last evaluated: 2023-10-30. Review status: criteria provided, single submitter. Criteria: Ambry Variant Classification Scheme 2023. Collection method: clinical testing. Allele origin: germline.

Labcorp Genetics (formerly Invitae), Labcorp
Classification: Uncertain significance for Fibrous dysplasia of jaw. Last evaluated: 2023-05-23. Review status: criteria provided, single submitter. Criteria: Invitae Variant Classification Sherloc (09022015). Collection method: clinical testing. Allele origin: germline.
Comment: This sequence change replaces proline, which is neutral and non-polar, with leucine, which is neutral and non-polar, at codon 408 of the SH3BP2 protein (p.Pro408Leu). This variant is present in population databases (rs766786069, gnomAD 0.02%). This variant has not been reported in the literature in individuals affected with SH3BP2-related conditions. ClinVar contains an entry for this variant (Variation ID: 2145841). Advanced modeling of protein sequence and biophysical properties (such as structural, functional, and spatial information, amino acid conservation, physicochemical variation, residue mobility, and thermodynamic stability) performed at Invitae indicates that this missense variant is not expected to disrupt SH3BP2 protein function. In summary, the available evidence is currently insufficient to determine the role of this variant in disease. Therefore, it has been classified as a Variant of Uncertain Significance.